The following is an entry in ClinVar:

ClinVar aggregate classification (germline): Uncertain significance. Review status: criteria provided, multiple submitters, no conflicts (2 of 4 stars). 3 submissions from 3 submitters: Uncertain significance (3). Last evaluated 2022-03-25.

Conditions:
Inborn genetic diseases. Identifiers: MedGen C0950123, MeSH D030342.
Alacrima, achalasia, and impaired intellectual development syndrome. Also called: Alacrima, achalasia, and mental retardation syndrome; Alacrima, achalasia, and intellectual disability syndrome. Identifiers: Orphanet 869, MedGen C4706563, MONDO:0014219, OMIM 615510.

Allele frequency attached by ClinVar (database versions not stated): ExAC 0.00002; TOPMed 0.00002; gnomAD exomes 0.00005 and 0.00003; ESP Exome Variant Server 0.00008.
gnomAD v4.1: 60 of 1,613,894 alleles (0.0037%); highest among the groups gnomAD compares: African/African-American, 0.0067%; no homozygotes.

Submissions (3):

Mayo Clinic Laboratories, Mayo Clinic
Classification: Uncertain significance. Last evaluated: 2022-03-25. Review status: criteria provided, single submitter. Criteria: ACMG Guidelines, 2015. Collection method: clinical testing. Allele origin: germline. Observed: 1 variant allele.
Comment: PM2

Labcorp Genetics (formerly Invitae), Labcorp
Classification: Uncertain significance for Alacrima, achalasia, and impaired intellectual development syndrome. Last evaluated: 2022-01-15. Review status: criteria provided, single submitter. Criteria: Invitae Variant Classification Sherloc (09022015). Collection method: clinical testing. Allele origin: germline.
Comment: In summary, the available evidence is currently insufficient to determine the role of this variant in disease. Therefore, it has been classified as a Variant of Uncertain Significance. Algorithms developed to predict the effect of missense changes on protein structure and function are either unavailable or do not agree on the potential impact of this missense change (SIFT: "Deleterious"; PolyPhen-2: "Possibly Damaging"; Align-GVGD: "Class C0"). ClinVar contains an entry for this variant (Variation ID: 969055). This variant has not been reported in the literature in individuals affected with GMPPA-related conditions. This variant is present in population databases (rs147832114, gnomAD 0.006%). This sequence change replaces arginine, which is basic and polar, with tryptophan, which is neutral and slightly polar, at codon 195 of the GMPPA protein (p.Arg195Trp).

Ambry Genetics
Classification: Uncertain significance for Inborn genetic diseases. Last evaluated: 2021-07-02. Review status: criteria provided, single submitter. Criteria: Ambry Variant Classification Scheme 2023. Collection method: clinical testing. Allele origin: germline.

NM_013335.4(GMPPA):c.583C>T (p.Arg195Trp)

Genes: ASIC4-AS1 (ASIC4 antisense RNA 1; minus strand), GMPPA (GDP-mannose pyrophosphorylase A; plus strand). Cytogenetic location: 2q35.
Variant type: single nucleotide variant.
Coding change: c.583C>T on transcript NM_013335.4 (MANE Select); coding-DNA position 583, C replaced by T.
Protein change: p.Arg195Trp; replaces arginine 195 with tryptophan.
Molecular consequence: missense variant.
Genome position (GRCh38, 1-based): chr2:219,504,176, C>T. VCF-style: chr2-219504176-C-T. GRCh37 (hg19) VCF-style: chr2-220368898-C-T.
Other names: p.Arg195Trp; c.583C>T, p.Arg195Trp (NM_001374294.1, NM_001374295.1, NM_205847.3); short protein forms R195W.
Identifiers: ClinVar variation 969055 (VCV000969055.11), dbSNP rs147832114, ClinGen allele CA2128222.
Genomic context (GRCh38, chr2:219,504,176, plus strand): 5'-ATCAGTGACATCATCAACTGCGGCATCTACCTCTTTTCTCCTGAAGCCTTGAAGCCTCTT[C>T]GGGATGTCTTCCAGCGTAATCAGCAGGATGGGCAATTGTGAGGCAGGCCCCATAGCCCTG-3'
Protein context (NP_037467.2, residues 185-205): LFSPEALKPL[Arg195Trp]DVFQRNQQDG